The following is an entry in ClinVar:

ClinVar aggregate classification (germline): Benign/Likely benign. Review status: criteria provided, multiple submitters, no conflicts (2 of 4 stars). 6 submissions from 6 submitters: Benign (2); Likely benign (3). 1 of the submissions does not count toward it. Last evaluated 2024-11-22.

Conditions:
TNC-related disorder. Also called: TNC-related condition.
Autosomal dominant nonsyndromic hearing loss 56. Also called: Deafness, autosomal dominant 56. Identifiers: Orphanet 90635, MedGen C3810170, MONDO:0014283, OMIM 615629.

Allele frequency attached by ClinVar (database versions not stated): 1000 Genomes Project 30x 0.00031; 1000 Genomes Project 0.00040; gnomAD 0.00094 and 0.00098; TOPMed 0.00103; ESP Exome Variant Server 0.00108; gnomAD exomes 0.00117; ExAC 0.00119.
gnomAD v4.1: 1,791 of 1,614,154 alleles (0.11%); highest among the groups gnomAD compares: Middle Eastern, 0.46%; 5 homozygotes.

Submissions (6):

Blueprint Genetics
Classification: Likely benign. Last evaluated: 2024-11-22. Review status: criteria provided, single submitter. Criteria: ACMG Guidelines, 2015. Collection method: clinical testing. Allele origin: germline.

Genome-Nilou Lab
Classification: Benign for Autosomal dominant nonsyndromic hearing loss 56. Last evaluated: 2022-03-15. Review status: criteria provided, single submitter. Criteria: ACMG Guidelines, 2015. Collection method: clinical testing. Allele origin: germline. Affected: no.

GeneDx
Classification: Likely benign. Last evaluated: 2020-03-05. Review status: criteria provided, single submitter. Criteria: GeneDx Variant Classification Process June 2021. Collection method: clinical testing. Allele origin: germline. Affected: yes.

Labcorp Genetics (formerly Invitae), Labcorp
Classification: Benign. Last evaluated: 2019-12-31. Review status: criteria provided, single submitter. Criteria: Invitae Variant Classification Sherloc (09022015). Collection method: clinical testing. Allele origin: germline.

Breakthrough Genomics
Classification: Likely benign. Review status: criteria provided, single submitter. Criteria: ACMG Guidelines, 2015. Collection method: not provided. Allele origin: germline. Inheritance: Autosomal dominant inheritance. Affected: yes.

PreventionGenetics, part of Exact Sciences
Classification: Benign for TNC-related condition. Last evaluated: 2019-07-06. Review status: no assertion criteria provided. Collection method: clinical testing. Allele origin: germline. Not counted in ClinVar's aggregate classification.
Comment: This variant is classified as benign based on ACMG/AMP sequence variant interpretation guidelines (Richards et al. 2015 PMID: 25741868, with internal and published modifications).

NM_002160.4(TNC):c.5223G>A (p.Arg1741=)

Gene: TNC (tenascin C; minus strand). Cytogenetic location: 9q33.1.
Variant type: single nucleotide variant.
Coding change: c.5223G>A on transcript NM_002160.4 (MANE Select); coding-DNA position 5223, G replaced by A.
Protein change: p.Arg1741=; no amino-acid change (arginine 1741 retained).
Molecular consequence: synonymous variant.
Genome position (GRCh38, 1-based): chr9:115,042,244, C>T on the plus strand (G>A on the coding strand, the complement: TNC is on the minus strand). VCF-style: chr9-115042244-C-T. GRCh37 (hg19) VCF-style: chr9-117804523-C-T.
Identifiers: ClinVar variation 721116 (VCV000721116.11), dbSNP rs62638694, ClinGen allele CA5207724.
Genomic context (GRCh38, chr9:115,042,244, plus strand): 5'-ACTCCTCCTCTCTCTCCCCTTTCCGAGTCTCCTACCTCCTGTAATGGGCACATAGGTAAT[C>T]CGGAAGCTCTCCACTTGGGCTGTGGGTGCCCTCCAGCTGACAGTAGCCGAATTTTCAGTG-3'
Protein context (NP_002151.2, residues 1731-1751): RAPTAQVESF[Arg1741=]ITYVPITGGT